The following is an entry in ClinVar:

NM_001164760.2(PRKAR1B):c.967T>G (p.Tyr323Asp)

Gene: PRKAR1B (protein kinase cAMP-dependent type I regulatory subunit beta; minus strand). Cytogenetic location: 7p22.3.
Variant type: single nucleotide variant.
Coding change: c.967T>G on transcript NM_001164760.2 (MANE Select); coding-DNA position 967, T replaced by G.
Protein change: p.Tyr323Asp; replaces tyrosine 323 with aspartic acid.
Molecular consequence: missense variant.
Genome position (GRCh38, 1-based): chr7:551,395, A>C on the plus strand (T>G on the coding strand, the complement: PRKAR1B is on the minus strand). VCF-style: chr7-551395-A-C. GRCh37 (hg19) VCF-style: chr7-591032-A-C.
Other names: c.967T>G, p.Tyr323Asp (NM_001164758.2, NM_001164759.1, NM_001164761.2 and 2 more transcripts); short protein forms Y323D.
Identifiers: ClinVar variation 3369078 (VCV003369078.1).

ClinVar aggregate classification (germline): Uncertain significance (1 of 4 stars; one submission).

Submission:

GeneDx
Classification: Uncertain significance. Last evaluated: 2024-02-13. Review status: criteria provided, single submitter. Criteria: GeneDx Variant Classification Process June 2021. Collection method: clinical testing. Allele origin: germline. Affected: yes.
Comment: Not observed at significant frequency in large population cohorts (gnomAD); In silico analysis supports that this missense variant has a deleterious effect on protein structure/function; Has not been previously published as pathogenic or benign to our knowledge